The following is an entry in ClinVar:

ClinVar aggregate classification (germline): Uncertain significance (1 of 4 stars; one submission).

gnomAD v4.1: 34 of 1,613,984 alleles (0.0021%); highest among the groups gnomAD compares: Middle Eastern, 0.016%; no homozygotes.

Submission:

Labcorp Genetics (formerly Invitae), Labcorp
Classification: Uncertain significance. Last evaluated: 2024-12-24. Review status: criteria provided, single submitter. Criteria: Invitae Variant Classification Sherloc (09022015). Collection method: clinical testing. Allele origin: germline.
Comment: This sequence change replaces glycine, which is neutral and non-polar, with glutamic acid, which is acidic and polar, at codon 5 of the RBBP8 protein (p.Gly5Glu). This variant is present in population databases (rs772792358, gnomAD 0.01%). This variant has not been reported in the literature in individuals affected with RBBP8-related conditions. Invitae Evidence Modeling of protein sequence and biophysical properties (such as structural, functional, and spatial information, amino acid conservation, physicochemical variation, residue mobility, and thermodynamic stability) indicates that this missense variant is expected to disrupt RBBP8 protein function with a positive predictive value of 80%. In summary, the available evidence is currently insufficient to determine the role of this variant in disease. Therefore, it has been classified as a Variant of Uncertain Significance.

NM_002894.3(RBBP8):c.14G>A (p.Gly5Glu)

Gene: RBBP8 (RB binding protein 8, endonuclease; plus strand). Cytogenetic location: 18q11.2.
Variant type: single nucleotide variant.
Coding change: c.14G>A on transcript NM_002894.3 (MANE Select); coding-DNA position 14, G replaced by A.
Protein change: p.Gly5Glu; replaces glycine 5 with glutamic acid.
Molecular consequence: missense variant.
Genome position (GRCh38, 1-based): chr18:22,936,865, G>A. VCF-style: chr18-22936865-G-A. GRCh37 (hg19) VCF-style: chr18-20516828-G-A.
Other names: c.14G>A, p.Gly5Glu (NM_203291.2, NM_203292.2); short protein forms G5E.
Identifiers: ClinVar variation 3719006 (VCV003719006.2).